The following is an entry in ClinVar:

ClinVar aggregate classification (germline): Likely benign (1 of 4 stars; one submission).

Allele frequency attached by ClinVar (database versions not stated): gnomAD exomes 0.00001.
gnomAD v4.1: 7 of 1,592,166 alleles (0.00044%); highest among the groups gnomAD compares: East Asian, 0.014%; no homozygotes.

Submission:

GeneDx
Classification: Likely benign. Last evaluated: 2018-01-08. Review status: criteria provided, single submitter. Criteria: GeneDx Variant Classification (06012015). Collection method: clinical testing. Allele origin: germline. Affected: yes.
Comment: This variant is considered likely benign or benign based on one or more of the following criteria: it is a conservative change, it occurs at a poorly conserved position in the protein, it is predicted to be benign by multiple in silico algorithms, and/or has population frequency not consistent with disease.

NM_004320.6(ATP2A1):c.-7G>A

Gene: ATP2A1 (ATPase sarcoplasmic/endoplasmic reticulum Ca2+ transporting 1; plus strand). Cytogenetic location: 16p11.2.
Variant type: single nucleotide variant.
Coding change: c.-7G>A on transcript NM_004320.6 (MANE Select); 7 bases upstream of the start codon, G replaced by A.
Molecular consequence: 5 prime UTR variant.
Genome position (GRCh38, 1-based): chr16:28,878,665, G>A. VCF-style: chr16-28878665-G-A. GRCh37 (hg19) VCF-style: chr16-28889986-G-A.
Other names: c.-7G>A (NM_173201.5).
Identifiers: ClinVar variation 514365 (VCV000514365.1), dbSNP rs1555514404, ClinGen allele CA658798585.